The following is an entry in ClinVar:

ClinVar aggregate classification (germline): Uncertain significance (1 of 4 stars; one submission).

Conditions:
Myopathy, proximal, and ophthalmoplegia (CMYO6). Also called: CONGENITAL MYOPATHY 6 WITH OPHTHALMOPLEGIA; INCLUSION BODY MYOPATHY 3, AUTOSOMAL DOMINANT; MYOPATHY WITH CONGENITAL JOINT CONTRACTURES, OPHTHALMOPLEGIA, AND RIMMED VACUOLES. Identifiers: Orphanet 363677, Orphanet 79091, MedGen C1854106, MONDO:0011577, OMIM 605637.

Submission:

Labcorp Genetics (formerly Invitae), Labcorp
Classification: Uncertain significance for Myopathy, proximal, and ophthalmoplegia. Last evaluated: 2022-06-30. Review status: criteria provided, single submitter. Criteria: Invitae Variant Classification Sherloc (09022015). Collection method: clinical testing. Allele origin: germline.
Comment: In summary, the available evidence is currently insufficient to determine the role of this variant in disease. Therefore, it has been classified as a Variant of Uncertain Significance. Algorithms developed to predict the effect of missense changes on protein structure and function (SIFT, PolyPhen-2, Align-GVGD) all suggest that this variant is likely to be disruptive. This variant has not been reported in the literature in individuals affected with MYH2-related conditions. This variant is not present in population databases (gnomAD no frequency). This sequence change replaces glutamic acid, which is acidic and polar, with lysine, which is basic and polar, at codon 1122 of the MYH2 protein (p.Glu1122Lys).

NM_017534.6(MYH2):c.3364G>A (p.Glu1122Lys)

Genes: MYH2 (myosin heavy chain 2; minus strand), MYHAS (myosin heavy chain gene cluster antisense RNA; plus strand). Cytogenetic location: 17p13.1.
Variant type: single nucleotide variant.
Coding change: c.3364G>A on transcript NM_017534.6 (MANE Select); coding-DNA position 3364, G replaced by A.
Protein change: p.Glu1122Lys; replaces glutamic acid 1122 with lysine.
Molecular consequence: missense variant.
Genome position (GRCh38, 1-based): chr17:10,529,070, C>T on the plus strand (G>A on the coding strand, the complement: MYH2 is on the minus strand). VCF-style: chr17-10529070-C-T. GRCh37 (hg19) VCF-style: chr17-10432387-C-T.
Other names: c.3364G>A, p.Glu1122Lys (NM_001100112.2); short protein forms E1122K.
Identifiers: ClinVar variation 2012586 (VCV002012586.4), dbSNP rs2508429365, ClinGen allele CA398134851.